The following is an entry in ClinVar:

NM_003835.4(RGS9):c.722T>C (p.Val241Ala)

Gene: RGS9 (regulator of G protein signaling 9; plus strand). Cytogenetic location: 17q24.1.
Variant type: single nucleotide variant.
Coding change: c.722T>C on transcript NM_003835.4 (MANE Select); coding-DNA position 722, T replaced by C.
Protein change: p.Val241Ala; replaces valine 241 with alanine.
Molecular consequence: missense variant.
Genome position (GRCh38, 1-based): chr17:65,190,212, T>C. VCF-style: chr17-65190212-T-C. GRCh37 (hg19) VCF-style: chr17-63186330-T-C.
Other names: c.713T>C, p.Val238Ala (NM_001081955.3, NM_001165933.2); short protein forms V238A, V241A.
Identifiers: ClinVar variation 1354453 (VCV001354453.9), dbSNP rs1232981377, ClinGen allele CA400664345.

ClinVar aggregate classification (germline): Uncertain significance. Review status: criteria provided, multiple submitters, no conflicts (2 of 4 stars). 2 submissions from 2 submitters: Uncertain significance (2). Last evaluated 2024-03-26.

Allele frequency attached by ClinVar (database versions not stated): gnomAD 0.00001.
gnomAD v4.1: 2 of 1,613,706 alleles (0.00012%); highest among the groups gnomAD compares: African/African-American, 0.0013%; no homozygotes.

Submissions (2):

Blueprint Genetics
Classification: Uncertain significance. Last evaluated: 2024-03-26. Review status: criteria provided, single submitter. Criteria: ACMG Guidelines, 2015. Collection method: clinical testing. Allele origin: germline.

Labcorp Genetics (formerly Invitae), Labcorp
Classification: Uncertain significance. Last evaluated: 2022-03-28. Review status: criteria provided, single submitter. Criteria: Invitae Variant Classification Sherloc (09022015). Collection method: clinical testing. Allele origin: germline.
Comment: This sequence change replaces valine, which is neutral and non-polar, with alanine, which is neutral and non-polar, at codon 241 of the RGS9 protein (p.Val241Ala). This variant is present in population databases (no rsID available, gnomAD 0.007%). This variant has not been reported in the literature in individuals affected with RGS9-related conditions. Algorithms developed to predict the effect of missense changes on protein structure and function are either unavailable or do not agree on the potential impact of this missense change (SIFT: "Deleterious"; PolyPhen-2: "Possibly Damaging"; Align-GVGD: "Class C0"). In summary, the available evidence is currently insufficient to determine the role of this variant in disease. Therefore, it has been classified as a Variant of Uncertain Significance.